The following is an entry in ClinVar:

ClinVar aggregate classification (germline): Uncertain significance (1 of 4 stars; one submission).

Allele frequency attached by ClinVar (database versions not stated): gnomAD exomes below 0.00001; TOPMed below 0.00001.
gnomAD v4.1: 6 of 1,613,762 alleles (0.00037%); highest among the groups gnomAD compares: Non-Finnish European, 0.00042%; no homozygotes.

Submission:

Labcorp Genetics (formerly Invitae), Labcorp
Classification: Uncertain significance. Last evaluated: 2022-03-11. Review status: criteria provided, single submitter. Criteria: Invitae Variant Classification Sherloc (09022015). Collection method: clinical testing. Allele origin: germline.
Comment: In summary, the available evidence is currently insufficient to determine the role of this variant in disease. Therefore, it has been classified as a Variant of Uncertain Significance. Algorithms developed to predict the effect of missense changes on protein structure and function are either unavailable or do not agree on the potential impact of this missense change (SIFT: "Not Available"; PolyPhen-2: "Probably Damaging"; Align-GVGD: "Not Available"). This variant has not been reported in the literature in individuals affected with ADAMTS17-related conditions. This variant is not present in population databases (gnomAD no frequency). This sequence change replaces glycine, which is neutral and non-polar, with glutamic acid, which is acidic and polar, at codon 711 of the ADAMTS17 protein (p.Gly711Glu).

NM_139057.4(ADAMTS17):c.2132G>A (p.Gly711Glu)

Gene: ADAMTS17 (ADAM metallopeptidase with thrombospondin type 1 motif 17; minus strand). Cytogenetic location: 15q26.3.
Variant type: single nucleotide variant.
Coding change: c.2132G>A on transcript NM_139057.4 (MANE Select); coding-DNA position 2132, G replaced by A.
Protein change: p.Gly711Glu; replaces glycine 711 with glutamic acid.
Molecular consequence: missense variant.
Genome position (GRCh38, 1-based): chr15:100,096,361, C>T on the plus strand (G>A on the coding strand, the complement: ADAMTS17 is on the minus strand). VCF-style: chr15-100096361-C-T. GRCh37 (hg19) VCF-style: chr15-100636566-C-T.
Other names: short protein forms G711E.
Identifiers: ClinVar variation 1930720 (VCV001930720.3), dbSNP rs1263165889, ClinGen allele CA393694450.